The following is an entry in ClinVar:

NM_006904.7(PRKDC):c.12026C>A (p.Pro4009His)

Gene: PRKDC (protein kinase, DNA-activated, catalytic subunit; minus strand). Cytogenetic location: 8q11.21.
Variant type: single nucleotide variant.
Coding change: c.12026C>A on transcript NM_006904.7 (MANE Select); coding-DNA position 12026, C replaced by A.
Protein change: p.Pro4009His; replaces proline 4009 with histidine.
Molecular consequence: missense variant.
Genome position (GRCh38, 1-based): chr8:47,777,702, G>T on the plus strand (C>A on the coding strand, the complement: PRKDC is on the minus strand). VCF-style: chr8-47777702-G-T. GRCh37 (hg19) VCF-style: chr8-48690263-G-T.
Other names: c.11933C>A, p.Pro3978His (NM_001081640.2); short protein forms P3978H, P4009H.
Identifiers: ClinVar variation 645335 (VCV000645335.4), dbSNP rs1589688275, ClinGen allele CA371128040.
Genomic context (GRCh38, chr8:47,777,702, plus strand): 5'-GACACTGTCACAAAAGTGAAAAGTGCACATGAAACAAAACCTACTTTCCAATCAAAGGAG[G>T]GCTCCTTGACAAACACATCCATGGTGTTGGTGAGCAGGCCAGGGTCTGAGCGGAAGGCCC-3'
Protein context (NP_008835.5, residues 3999-4019): TNTMDVFVKE[Pro4009His]SFDWKNFEQK

ClinVar aggregate classification (germline): Uncertain significance (1 of 4 stars; one submission).

Conditions:
Severe combined immunodeficiency due to DNA-PKcs deficiency. Also called: Immunodeficiency 26 with or without neurologic abnormalities; IMMUNODEFICIENCY 26 WITH NEUROLOGIC ABNORMALITIES. Identifiers: Orphanet 317425, MedGen C4014833, MONDO:0014423, OMIM 615966.

Allele frequency attached by ClinVar (database versions not stated): TOPMed below 0.00001.

Submission:

Labcorp Genetics (formerly Invitae), Labcorp
Classification: Uncertain significance for Severe combined immunodeficiency due to DNA-PKcs deficiency. Last evaluated: 2018-10-07. Review status: criteria provided, single submitter. Criteria: Invitae Variant Classification Sherloc (09022015). Collection method: clinical testing. Allele origin: germline.
Comment: This variant has not been reported in the literature in individuals with PRKDC-related disease. This sequence change replaces proline with histidine at codon 4009 of the PRKDC protein (p.Pro4009His). The proline residue is moderately conserved and there is a moderate physicochemical difference between proline and histidine. This variant is not present in population databases (ExAC no frequency). Algorithms developed to predict the effect of missense changes on protein structure and function are either unavailable or do not agree on the potential impact of this missense change (SIFT: "Deleterious"; PolyPhen-2: "Unavailable"; Align-GVGD: "Class C0"). In summary, the available evidence is currently insufficient to determine the role of this variant in disease. Therefore, it has been classified as a Variant of Uncertain Significance.